The following is an entry in ClinVar:

ClinVar aggregate classification (germline): Uncertain significance (1 of 4 stars; one submission).

Conditions:
Hereditary cancer-predisposing syndrome. Also called: Hereditary Cancer Syndrome; Tumor predisposition; Hereditary neoplastic syndrome; Neoplastic Syndromes, Hereditary. Identifiers: Orphanet 140162, MedGen C0027672, MeSH D009386, MONDO:0015356.

Submission:

Ambry Genetics
Classification: Uncertain significance for Hereditary cancer-predisposing syndrome. Last evaluated: 2024-05-03. Review status: criteria provided, single submitter. Criteria: Ambry Variant Classification Scheme 2023. Collection method: clinical testing. Allele origin: germline.
Comment: The p.H374Q variant (also known as c.1122T>G), located in coding exon 5 of the BLM gene, results from a T to G substitution at nucleotide position 1122. The histidine at codon 374 is replaced by glutamine, an amino acid with highly similar properties. This amino acid position is conserved. In addition, this alteration is predicted to be tolerated by in silico analysis. Based on the available evidence, the clinical significance of this variant remains unclear.

NM_000057.4(BLM):c.1122T>G (p.His374Gln)

Gene: BLM (BLM RecQ like helicase; plus strand). Cytogenetic location: 15q26.1.
Variant type: single nucleotide variant.
Coding change: c.1122T>G on transcript NM_000057.4 (MANE Select); coding-DNA position 1122, T replaced by G.
Protein change: p.His374Gln; replaces histidine 374 with glutamine.
Molecular consequence: missense variant. On other transcripts: 5 prime UTR variant (1).
Genome position (GRCh38, 1-based): chr15:90,760,181, T>G. VCF-style: chr15-90760181-T-G. GRCh37 (hg19) VCF-style: chr15-91303411-T-G.
Other names: c.1122T>G, p.His374Gln (NM_001287246.2, NM_001287247.2); c.-4T>G (NM_001287248.2); short protein forms H374Q.
Identifiers: ClinVar variation 3261035 (VCV003261035.1).
Genomic context (GRCh38, chr15:90,760,181, plus strand): 5'-ATATTAACAACATAATTATTTTATAGCTAGACAGATAAGTTTACAGCAGCAGCTTATTCA[T>G]GTGATGGAGCACATCTGTAAATTAATTGATACTATTCCTGATGATAAACTGAAACTTTTG-3'
Protein context (NP_000048.1, residues 364-384): RQISLQQQLI[His374Gln]VMEHICKLID